The following is an entry in ClinVar:

NM_001430.5(EPAS1):c.1141G>C (p.Ala381Pro)

Gene: EPAS1 (endothelial PAS domain protein 1; plus strand). Cytogenetic location: 2p21.
Variant type: single nucleotide variant.
Coding change: c.1141G>C on transcript NM_001430.5 (MANE Select); coding-DNA position 1141, G replaced by C.
Protein change: p.Ala381Pro; replaces alanine 381 with proline.
Molecular consequence: missense variant.
Genome position (GRCh38, 1-based): chr2:46,376,645, G>C. VCF-style: chr2-46376645-G-C. GRCh37 (hg19) VCF-style: chr2-46603784-G-C.
Other names: short protein forms A381P.
Identifiers: ClinVar variation 3275735 (VCV003275735.1).

ClinVar aggregate classification (germline): Uncertain significance (1 of 4 stars; one submission).

Conditions:
Inborn genetic diseases. Identifiers: MedGen C0950123, MeSH D030342.

Submission:

Ambry Genetics
Classification: Uncertain significance for Inborn genetic diseases. Last evaluated: 2024-06-09. Review status: criteria provided, single submitter. Criteria: Ambry Variant Classification Scheme 2023. Collection method: clinical testing. Allele origin: germline.
Comment: The p.A381P variant (also known as c.1141G>C), located in coding exon 9 of the EPAS1 gene, results from a G to C substitution at nucleotide position 1141. The alanine at codon 381 is replaced by proline, an amino acid with highly similar properties. This amino acid position is conserved. In addition, this alteration is predicted to be tolerated by in silico analysis. Based on the available evidence, the clinical significance of this variant remains unclear.